The following is an entry in ClinVar:

ClinVar aggregate classification (germline): Uncertain significance (1 of 4 stars; one submission).

Submission:

Labcorp Genetics (formerly Invitae), Labcorp
Classification: Uncertain significance. Last evaluated: 2024-03-27. Review status: criteria provided, single submitter. Criteria: Invitae Variant Classification Sherloc (09022015). Collection method: clinical testing. Allele origin: germline.
Comment: This sequence change replaces valine, which is neutral and non-polar, with isoleucine, which is neutral and non-polar, at codon 245 of the FBXO11 protein (p.Val245Ile). This variant is not present in population databases (gnomAD no frequency). This variant has not been reported in the literature in individuals affected with FBXO11-related conditions. ClinVar contains an entry for this variant (Variation ID: 1720816). An algorithm developed to predict the effect of missense changes on protein structure and function (PolyPhen-2) suggests that this variant is likely to be tolerated. In summary, the available evidence is currently insufficient to determine the role of this variant in disease. Therefore, it has been classified as a Variant of Uncertain Significance.

NM_001190274.2(FBXO11):c.733G>A (p.Val245Ile)

Gene: FBXO11 (F-box protein 11; minus strand). Cytogenetic location: 2p16.3.
Variant type: single nucleotide variant.
Coding change: c.733G>A on transcript NM_001190274.2 (MANE Select); coding-DNA position 733, G replaced by A.
Protein change: p.Val245Ile; replaces valine 245 with isoleucine.
Molecular consequence: missense variant.
Genome position (GRCh38, 1-based): chr2:47,834,856, C>T on the plus strand (G>A on the coding strand, the complement: FBXO11 is on the minus strand). VCF-style: chr2-47834856-C-T. GRCh37 (hg19) VCF-style: chr2-48061995-C-T.
Other names: c.481G>A, p.Val161Ile (NM_001374325.1, NM_025133.4); short protein forms V161I, V245I.
Identifiers: ClinVar variation 1720816 (VCV001720816.5), dbSNP rs2531212304, ClinGen allele CA346812091.
Genomic context (GRCh38, chr2:47,834,856, plus strand): 5'-TTTCTCTTCCTTTATATCTTGCAGGGTTACTGTAGAAATGTTCAGCAAATCCTGGCTTTA[C>T]ATGTGCACCTTTATACTAAAATGTCAAAAACAAAACAAAACCATTGACTACTAACATAAA-3'
Protein context (NP_001177203.1, residues 235-255): SFQQLYKGAH[Val245Ile]KPGFAEHFYS